The following is an entry in ClinVar:

ClinVar aggregate classification (germline): Uncertain significance. Review status: criteria provided, multiple submitters, no conflicts (2 of 4 stars). 4 submissions from 4 submitters: Uncertain significance (4). Last evaluated 2025-11-07.

Conditions:
Inborn genetic diseases. Identifiers: MedGen C0950123, MeSH D030342.
Giant axonal neuropathy 1 (GAN1). Also called: GIANT AXONAL NEUROPATHY 1, AUTOSOMAL RECESSIVE; GAN-Related Neurodegeneration. Identifiers: Orphanet 643, MedGen C1850386, MONDO:0009749, OMIM 256850.

Allele frequency attached by ClinVar (database versions not stated): gnomAD 0.00001 and 0.00003; gnomAD exomes 0.00001 and 0.00002; TOPMed 0.00002.
gnomAD v4.1: 29 of 1,576,974 alleles (0.0018%); highest among the groups gnomAD compares: Admixed American, 0.0054%; no homozygotes.

Submissions (4):

Ambry Genetics
Classification: Uncertain significance for Inborn genetic diseases. Last evaluated: 2025-11-07. Review status: criteria provided, single submitter. Criteria: Ambry Variant Classification Scheme 2023. Collection method: clinical testing. Allele origin: germline.

Laboratorio de Genetica e Diagnostico Molecular, Hospital Israelita Albert Einstein
Classification: Uncertain significance for Giant axonal neuropathy 1. Last evaluated: 2023-06-07. Review status: criteria provided, single submitter. Criteria: ACMG Guidelines, 2015. Collection method: clinical testing. Allele origin: germline. Affected: yes.
Comment: ACMG classification criteria: PM2 supporting, BP4 supporting

Labcorp Genetics (formerly Invitae), Labcorp
Classification: Uncertain significance for Giant axonal neuropathy 1. Last evaluated: 2022-08-18. Review status: criteria provided, single submitter. Criteria: Invitae Variant Classification Sherloc (09022015). Collection method: clinical testing. Allele origin: germline.
Comment: In summary, the available evidence is currently insufficient to determine the role of this variant in disease. Therefore, it has been classified as a Variant of Uncertain Significance. Algorithms developed to predict the effect of missense changes on protein structure and function are either unavailable or do not agree on the potential impact of this missense change (SIFT: "Deleterious"; PolyPhen-2: "Benign"; Align-GVGD: "Class C0"). ClinVar contains an entry for this variant (Variation ID: 1474016). This variant has not been reported in the literature in individuals affected with GAN-related conditions. This variant is present in population databases (rs778653431, gnomAD 0.001%). This sequence change replaces serine, which is neutral and polar, with cysteine, which is neutral and slightly polar, at codon 27 of the GAN protein (p.Ser27Cys).

Blueprint Genetics
Classification: Uncertain significance. Last evaluated: 2022-03-01. Review status: criteria provided, single submitter. Criteria: ACMG Guidelines, 2015. Collection method: clinical testing. Allele origin: germline.

NM_022041.4(GAN):c.80C>G (p.Ser27Cys)

Genes: GAN (gigaxonin; plus strand), LOC130059498 (ATAC-STARR-seq lymphoblastoid silent region 7753; plus strand). Cytogenetic location: 16q23.2.
Variant type: single nucleotide variant.
Coding change: c.80C>G on transcript NM_022041.4 (MANE Select); coding-DNA position 80, C replaced by G.
Protein change: p.Ser27Cys; replaces serine 27 with cysteine.
Molecular consequence: missense variant. On other transcripts: 5 prime UTR variant (1).
Genome position (GRCh38, 1-based): chr16:81,315,193, C>G. VCF-style: chr16-81315193-C-G. GRCh37 (hg19) VCF-style: chr16-81348798-C-G.
Other names: c.80C>G (NM_022041.3); c.-445C>G (NM_001377486.1); short protein forms S27C.
Identifiers: ClinVar variation 1474016 (VCV001474016.10), dbSNP rs778653431, ClinGen allele CA8191247.